The following is an entry in ClinVar:

ClinVar aggregate classification (germline): Pathogenic (1 of 4 stars; one submission).

Submission:

Labcorp Genetics (formerly Invitae), Labcorp
Classification: Pathogenic. Last evaluated: 2025-03-17. Review status: criteria provided, single submitter. Criteria: Invitae Variant Classification Sherloc (09022015). Collection method: clinical testing. Allele origin: germline.
Comment: This sequence change creates a premature translational stop signal (p.His1522Glyfs*5) in the TUBGCP6 gene. It is expected to result in an absent or disrupted protein product. Loss-of-function variants in TUBGCP6 are known to be pathogenic (PMID: 25344692). This variant is not present in population databases (gnomAD no frequency). This variant has not been reported in the literature in individuals affected with TUBGCP6-related conditions. ClinVar contains an entry for this variant (Variation ID: 2097492). For these reasons, this variant has been classified as Pathogenic.

Literature cited by the submitters: PubMed 25344692.

NM_020461.4(TUBGCP6):c.4562_4563dup (p.His1522fs)

Gene: TUBGCP6 (tubulin gamma complex component 6; minus strand). Cytogenetic location: 22q13.33.
Variant type: Duplication.
Coding change: c.4562_4563dup on transcript NM_020461.4 (MANE Select); coding-DNA positions 4562 to 4563, 2 bases duplicated (GG; older notation c.4562_4563dupGG).
Protein change: p.His1522fs; shifts the reading frame from histidine 1522.
Molecular consequence: frameshift variant.
Genome position (GRCh38, 1-based): chr22:50,219,131-50,219,132, CC duplicated on the plus strand (GG on the coding strand, the reverse complement: TUBGCP6 is on the minus strand). VCF-style (leftmost placement, unchanged base first): chr22-50219130-G-GCC. GRCh37 (hg19) VCF-style: chr22-50657559-G-GCC.
Other names: short protein forms H1522fs.
Identifiers: ClinVar variation 2097492 (VCV002097492.4), dbSNP rs2519124670, ClinGen allele CA2580099943.